The following is an entry in ClinVar:

NM_014989.7(RIMS1):c.1050T>C (p.Asp350=)

Gene: RIMS1 (regulating synaptic membrane exocytosis 1; plus strand). Cytogenetic location: 6q13.
Variant type: single nucleotide variant.
Coding change: c.1050T>C on transcript NM_014989.7 (MANE Select); coding-DNA position 1050, T replaced by C.
Protein change: p.Asp350=; no amino-acid change (aspartic acid 350 retained).
Molecular consequence: synonymous variant.
Genome position (GRCh38, 1-based): chr6:72,182,521, T>C. VCF-style: chr6-72182521-T-C. GRCh37 (hg19) VCF-style: chr6-72892224-T-C.
Identifiers: ClinVar variation 5039896 (VCV005039896.1).

ClinVar aggregate classification (germline): Likely benign (1 of 4 stars; one submission).

Submission:

CeGaT Center for Human Genetics Tuebingen
Classification: Likely benign. Last evaluated: 2026-08-01. Review status: criteria provided, single submitter. Criteria: CeGaT Center For Human Genetics Tuebingen Variant Classification Criteria Version 2. Collection method: clinical testing. Allele origin: germline. Affected: yes. Observed: 1 variant allele.
Comment: RIMS1: PM2:Supporting, BP4, BP7